The following is an entry in ClinVar:

NM_021615.5(CHST6):c.*2417C>T

Gene: CHST6 (carbohydrate sulfotransferase 6; minus strand). Cytogenetic location: 16q23.1.
Variant type: single nucleotide variant.
Coding change: c.*2417C>T on transcript NM_021615.5 (MANE Select); 2417 bases downstream of the stop codon, C replaced by T.
Molecular consequence: 3 prime UTR variant.
Genome position (GRCh38, 1-based): chr16:75,476,224, G>A on the plus strand (C>T on the coding strand, the complement: CHST6 is on the minus strand). VCF-style: chr16-75476224-G-A. GRCh37 (hg19) VCF-style: chr16-75510122-G-A.
Identifiers: ClinVar variation 320551 (VCV000320551.5), dbSNP rs188632926, ClinGen allele CA10638386.

ClinVar aggregate classification (germline): Likely benign (1 of 4 stars; one submission).

Conditions:
Macular corneal dystrophy (MCD). Also called: GROENOUW TYPE II CORNEAL DYSTROPHY; Macular corneal dystrophy Type I. Identifiers: Orphanet 98969, MedGen C1636149, MONDO:0009020, OMIM 217800.

Allele frequency attached by ClinVar (database versions not stated): 1000 Genomes Project 0.00060; 1000 Genomes Project 30x 0.00078; gnomAD 0.00080 and 0.00082; TOPMed 0.00085.

Submission:

Illumina Laboratory Services, Illumina
Classification: Likely benign for Macular corneal dystrophy. Last evaluated: 2018-01-12. Review status: criteria provided, single submitter. Criteria: ICSL Variant Classification Criteria 13 December 2019. Collection method: clinical testing. Allele origin: germline.
Comment: This variant was observed in the ICSL laboratory as part of a predisposition screen in an ostensibly healthy population. It had not been previously curated by ICSL or reported in the Human Gene Mutation Database (HGMD: prior to June 1st, 2018), and was therefore a candidate for classification through an automated scoring system. Utilizing variant allele frequency, disease prevalence and penetrance estimates, and inheritance mode, an automated score was calculated to assess if this variant is too frequent to cause the disease. Based on the score and internal cut-off values, a variant classified as likely benign is not then subjected to further curation. The score for this variant resulted in a classification of likely benign for this disease.